The following is an entry in ClinVar:

ClinVar aggregate classification (germline): Benign (1 of 4 stars; one submission).

Submission:

GeneDx
Classification: Benign. Last evaluated: 2021-06-18. Review status: criteria provided, single submitter. Criteria: GeneDx Variant Classification Process June 2021. Collection method: clinical testing. Allele origin: germline. Affected: yes.
Comment: Has not been previously published as pathogenic or benign to our knowledge

NM_019892.6(INPP5E):c.1159+33_1159+34insGGTGGGCGCGGCTGGAGGGGTGGGCGCGGCTGGAGG

Gene: INPP5E (inositol polyphosphate-5-phosphatase E; minus strand). Cytogenetic location: 9q34.3.
Variant type: Microsatellite.
Coding change: c.1159+33_1159+34insGGTGGGCGCGGCTGGAGGGGTGGGCGCGGCTGGAGG on transcript NM_019892.6 (MANE Select); bases 33 to 34 of the intron after coding-DNA position 1159, GGTGGGCGCGGCTGGAGGGGTGGGCGCGGCTGGAGG inserted.
Molecular consequence: splice donor variant.
Genome position: GRCh38, VCF-style position (the base before the change): chr9:136,433,121. GRCh37 (hg19), VCF-style position (the base before the change): chr9:139,327,573.
Other names: c.1159+33_1159+34insGGTGGGCGCGGCTGGAGGGGTGGGCGCGGCTGGAGG (NM_001318502.2).
Identifiers: ClinVar variation 1280345 (VCV001280345.1), dbSNP rs1239490197, ClinGen allele CA5336901.